The following is an entry in ClinVar:

ClinVar aggregate classification (germline): Benign/Likely benign. Review status: criteria provided, multiple submitters, no conflicts (2 of 4 stars). 8 submissions from 8 submitters: Benign (5); Likely benign (1). 2 of the submissions do not count toward it. Last evaluated 2026-02-02.

Conditions:
ADGRG1-related disorder. Also called: ADGRG1-related condition.
Bilateral frontoparietal polymicrogyria. Also called: CORTICAL DYSPLASIA, COMPLEX, WITH OTHER BRAIN MALFORMATIONS 14A (BILATERAL FRONTOPARIETAL); CEREBELLAR ATAXIA WITH NEURONAL MIGRATION DEFECT. Identifiers: Orphanet 101070, MedGen C1847352, MONDO:0011738, OMIM 606854.

Allele frequency attached by ClinVar (database versions not stated): gnomAD exomes 0.00044 and 0.00140; ExAC 0.00152; ESP Exome Variant Server 0.00416; gnomAD 0.00418 and 0.00438; TOPMed 0.00485; 1000 Genomes Project 0.00759; 1000 Genomes Project 30x 0.00843.
gnomAD v4.1: 1,312 of 1,606,048 alleles (0.082%); highest among the groups gnomAD compares: African/African-American, 1.4%; 9 homozygotes.

Submissions (8):

Labcorp Genetics (formerly Invitae), Labcorp
Classification: Benign. Last evaluated: 2026-02-02. Review status: criteria provided, single submitter. Criteria: Invitae Variant Classification Sherloc (09022015). Collection method: clinical testing. Allele origin: germline.

Blueprint Genetics
Classification: Likely benign. Last evaluated: 2024-11-13. Review status: criteria provided, single submitter. Criteria: ACMG Guidelines, 2015. Collection method: clinical testing. Allele origin: germline.

Mayo Clinic Laboratories, Mayo Clinic
Classification: Benign. Last evaluated: 2019-01-08. Review status: criteria provided, single submitter. Criteria: ACMG Guidelines, 2015. Collection method: clinical testing. Allele origin: germline. Observed: 4 variant alleles.

Illumina Laboratory Services, Illumina
Classification: Benign for Bilateral frontoparietal polymicrogyria. Last evaluated: 2018-01-12. Review status: criteria provided, single submitter. Criteria: ICSL Variant Classification Criteria 13 December 2019. Collection method: clinical testing. Allele origin: germline.
Comment: This variant was observed in the ICSL laboratory as part of a predisposition screen in an ostensibly healthy population. It had not been previously curated by ICSL or reported in the Human Gene Mutation Database (HGMD: prior to June 1st, 2018), and was therefore a candidate for classification through an automated scoring system. Utilizing variant allele frequency, disease prevalence and penetrance estimates, and inheritance mode, an automated score was calculated to assess if this variant is too frequent to cause the disease. Based on the score and internal cut-off values, a variant classified as benign is not then subjected to further curation. The score for this variant resulted in a classification of benign for this disease.

GeneDx
Classification: Benign. Last evaluated: 2015-03-03. Review status: criteria provided, single submitter. Criteria: GeneDx Variant Classification Process June 2021. Collection method: clinical testing. Allele origin: germline. Affected: yes.

Breakthrough Genomics
Classification: Benign. Review status: criteria provided, single submitter. Criteria: ACMG Guidelines, 2015. Collection method: not provided. Allele origin: germline. Inheritance: Autosomal recessive inheritance. Affected: yes.

PreventionGenetics, part of Exact Sciences
Classification: Benign for ADGRG1-related condition. Last evaluated: 2019-05-31. Review status: no assertion criteria provided. Collection method: clinical testing. Allele origin: germline. Not counted in ClinVar's aggregate classification.
Comment: This variant is classified as benign based on ACMG/AMP sequence variant interpretation guidelines (Richards et al. 2015 PMID: 25741868, with internal and published modifications).

Genetic Services Laboratory, University of Chicago
Classification: Likely benign. Review status: no assertion criteria provided. Collection method: clinical testing. Allele origin: germline. Inheritance: Autosomal recessive inheritance. Not counted in ClinVar's aggregate classification.
Comment: Likely benign based on allele frequency in 1000 Genomes Project or ESP global frequency and its presence in a patient with a rare or unrelated disease phenotype. NOT Sanger confirmed

NM_201525.4(ADGRG1):c.1933+10A>G

Gene: ADGRG1 (adhesion G protein-coupled receptor G1; plus strand). Cytogenetic location: 16q21.
Variant type: single nucleotide variant.
Coding change: c.1933+10A>G on transcript NM_201525.4 (MANE Select); 10 bases into the intron after coding-DNA position 1933, A replaced by G.
Molecular consequence: intron variant.
Genome position (GRCh38, 1-based): chr16:57,661,975, A>G. VCF-style: chr16-57661975-A-G. GRCh37 (hg19) VCF-style: chr16-57695887-A-G.
Other names: p.?; c.1933+10A>G (NM_001370440.1, NM_001370436.1, NM_001370438.1 and 7 more transcripts); c.1951+10A>G (NM_001370428.1, NM_001370430.1, NM_001370431.1 and 4 more transcripts); c.1441+10A>G (NM_001290142.2); c.1408+10A>G (NM_001370451.1, NM_001370453.1, NM_001370454.1 and 1 more transcripts); c.1426+10A>G (NM_001290143.2); c.1948+10A>G (NM_001370434.1, NM_001370433.1, NM_001145773.3); c.1777+10A>G (NM_001370442.1); and 1 more.
Identifiers: ClinVar variation 158626 (VCV000158626.25), dbSNP rs137936275, ClinGen allele CA172256.
Genomic context (GRCh38, chr16:57,661,975, plus strand): 5'-CCTTCCAGCTTGTCGTCCTCTACCTTTTCAGCATCATCACCTCCTTCCAAGGTAAGGAGA[A>G]GACCCGTCCCTTGGCCCAGGCAGGGTGTCTACACATGGAGCAAGGGCAGGGAAGAGATCA-3'